The following is an entry in ClinVar:

ClinVar aggregate classification (germline): Uncertain significance (1 of 4 stars; one submission).

Allele frequency attached by ClinVar (database versions not stated): ExAC 0.00001; gnomAD 0.00001; gnomAD exomes 0.00001.

Submission:

Ambry Genetics
Classification: Uncertain significance. Last evaluated: 2025-07-19. Review status: criteria provided, single submitter. Criteria: Ambry Variant Classification Scheme 2023. Collection method: clinical testing. Allele origin: germline.
Comment: The p.Q421R variant (also known as c.1262A>G), located in coding exon 7 of the GALNT12 gene, results from an A to G substitution at nucleotide position 1262. The glutamine at codon 421 is replaced by arginine, an amino acid with highly similar properties. This amino acid position is poorly conserved in available vertebrate species. In addition, this alteration is predicted to be tolerated by in silico analysis. The evidence for this gene-disease relationship is limited; therefore, the clinical significance of this alteration is unclear.

NM_024642.5(GALNT12):c.1262A>G (p.Gln421Arg)

Gene: GALNT12 (polypeptide N-acetylgalactosaminyltransferase 12; plus strand). Cytogenetic location: 9q22.33.
Variant type: single nucleotide variant.
Coding change: c.1262A>G on transcript NM_024642.5 (MANE Select); coding-DNA position 1262, A replaced by G.
Protein change: p.Gln421Arg; replaces glutamine 421 with arginine.
Molecular consequence: missense variant.
Genome position (GRCh38, 1-based): chr9:98,840,051, A>G. VCF-style: chr9-98840051-A-G. GRCh37 (hg19) VCF-style: chr9-101602333-A-G.
Other names: short protein forms Q421R.
Identifiers: ClinVar variation 1763393 (VCV001763393.4), dbSNP rs752109293, ClinGen allele CA5154217.